The following is an entry in ClinVar:

ClinVar aggregate classification (germline): Conflicting classifications of pathogenicity. Review status: criteria provided, conflicting classifications (1 of 4 stars). 3 submissions from 3 submitters: Uncertain significance (1); Likely benign (2). Last evaluated 2026-01-16.

Conditions:
Alport syndrome. Also called: Hemorrhagic familial nephritis; Hemorrhagic hereditary nephritis; Congenital hereditary hematuria. Identifiers: Orphanet 63, MedGen C1567741, MONDO:0018965.

Allele frequency attached by ClinVar (database versions not stated): gnomAD exomes 0.00005 and 0.00009; ExAC 0.00009; ESP Exome Variant Server 0.00033; gnomAD 0.00045 and 0.00048; 1000 Genomes Project 30x 0.00047; TOPMed 0.00047; 1000 Genomes Project 0.00060.
gnomAD v4.1: 149 of 1,613,822 alleles (0.0092%); highest among the groups gnomAD compares: African/African-American, 0.14%; no homozygotes.

Submissions (3):

Labcorp Genetics (formerly Invitae), Labcorp
Classification: Likely benign. Last evaluated: 2026-01-16. Review status: criteria provided, single submitter. Criteria: Invitae Variant Classification Sherloc (09022015). Collection method: clinical testing. Allele origin: germline.

GeneDx
Classification: Likely benign. Last evaluated: 2020-01-31. Review status: criteria provided, single submitter. Criteria: GeneDx Variant Classification Process June 2021. Collection method: clinical testing. Allele origin: germline. Affected: yes.
Comment: Occurs in the triple helical domain at the X position in the canonical Gly-X-Y repeat; although this variant may have an effect on normal protein folding and function, missense substitution at the X position is not a common mechanism of disease; In silico analysis, which includes protein predictors and evolutionary conservation, supports that this variant does not alter protein structure/function; Has not been previously published as pathogenic or benign to our knowledge

Illumina Laboratory Services, Illumina
Classification: Uncertain significance for Alport syndrome. Last evaluated: 2018-01-13. Review status: criteria provided, single submitter. Criteria: ICSL Variant Classification Criteria 13 December 2019. Collection method: clinical testing. Allele origin: germline.

NM_000091.5(COL4A3):c.1516G>A (p.Ala506Thr)

Genes: COL4A3 (collagen type IV alpha 3 chain; plus strand), MFF-DT (MFF divergent transcript; minus strand). Cytogenetic location: 2q36.3.
Variant type: single nucleotide variant.
Coding change: c.1516G>A on transcript NM_000091.5 (MANE Select); coding-DNA position 1516, G replaced by A.
Protein change: p.Ala506Thr; replaces alanine 506 with threonine.
Molecular consequence: missense variant.
Genome position (GRCh38, 1-based): chr2:227,269,921, G>A. VCF-style: chr2-227269921-G-A. GRCh37 (hg19) VCF-style: chr2-228134637-G-A.
Other names: short protein forms A506T.
Identifiers: ClinVar variation 334763 (VCV000334763.15), dbSNP rs188967260, ClinGen allele CA2146697.